The following is an entry in ClinVar:

ClinVar aggregate classification (germline): Uncertain significance (1 of 4 stars; one submission).

Conditions:
Alstrom syndrome (ALMS). Identifiers: Orphanet 64, MedGen C0268425, MONDO:0008763, OMIM 203800.

Submission:

Labcorp Genetics (formerly Invitae), Labcorp
Classification: Uncertain significance for Alstrom syndrome. Last evaluated: 2021-04-12. Review status: criteria provided, single submitter. Criteria: Invitae Variant Classification Sherloc (09022015). Collection method: clinical testing. Allele origin: germline.
Comment: This sequence change replaces alanine with serine at codon 434 of the ALMS1 protein (p.Ala434Ser). The alanine residue is moderately conserved and there is a moderate physicochemical difference between alanine and serine. This variant is not present in population databases (ExAC no frequency). This variant has not been reported in the literature in individuals with ALMS1-related conditions. Experimental studies and prediction algorithms are not available or were not evaluated, and the functional significance of this variant is currently unknown. In summary, the available evidence is currently insufficient to determine the role of this variant in disease. Therefore, it has been classified as a Variant of Uncertain Significance.

NM_001378454.1(ALMS1):c.1297G>T (p.Ala433Ser)

Gene: ALMS1 (ALMS1 centrosome and basal body associated protein; plus strand). Cytogenetic location: 2p13.1.
Variant type: single nucleotide variant.
Coding change: c.1297G>T on transcript NM_001378454.1 (MANE Select); coding-DNA position 1297, G replaced by T.
Protein change: p.Ala433Ser; replaces alanine 433 with serine.
Molecular consequence: missense variant.
Genome position (GRCh38, 1-based): chr2:73,426,512, G>T. VCF-style: chr2-73426512-G-T. GRCh37 (hg19) VCF-style: chr2-73653640-G-T.
Other names: c.1300G>T, p.Ala434Ser (NM_015120.4); short protein forms A433S, A434S.
Identifiers: ClinVar variation 1434823 (VCV001434823.3), dbSNP rs751744947, ClinGen allele CA347261937.